The following is an entry in ClinVar:

ClinVar aggregate classification (germline): Uncertain significance (1 of 4 stars; one submission).

Conditions:
Congenital myasthenic syndrome 8. Also called: Myasthenic syndrome, congenital, 8, with pre- and postsynaptic defects; MYASTHENIC SYNDROME, CONGENITAL, DUE TO AGRIN DEFICIENCY. Identifiers: Orphanet 590, MedGen C3808739, MONDO:0014052, OMIM 615120.

Allele frequency attached by ClinVar (database versions not stated): TOPMed below 0.00001; gnomAD 0.00001; ExAC 0.00003; 1000 Genomes Project 30x 0.00016.
gnomAD v4.1: 31 of 1,612,542 alleles (0.0019%); highest among the groups gnomAD compares: South Asian, 0.032%; no homozygotes.

Submission:

Labcorp Genetics (formerly Invitae), Labcorp
Classification: Uncertain significance for Congenital myasthenic syndrome 8. Last evaluated: 2022-04-16. Review status: criteria provided, single submitter. Criteria: Invitae Variant Classification Sherloc (09022015). Collection method: clinical testing. Allele origin: germline.
Comment: This sequence change falls in intron 14 of the AGRN gene. It does not directly change the encoded amino acid sequence of the AGRN protein. It affects a nucleotide within the consensus splice site. This variant is present in population databases (rs747771295, gnomAD 0.02%). This variant has not been reported in the literature in individuals affected with AGRN-related conditions. Variants that disrupt the consensus splice site are a relatively common cause of aberrant splicing (PMID: 17576681, 9536098). Algorithms developed to predict the effect of sequence changes on RNA splicing suggest that this variant may create or strengthen a splice site. In summary, the available evidence is currently insufficient to determine the role of this variant in disease. Therefore, it has been classified as a Variant of Uncertain Significance.

Literature cited by the submitters: PubMed 17576681; PubMed 9536098.

NM_198576.4(AGRN):c.2536+3G>T

Gene: AGRN (agrin; plus strand). Cytogenetic location: 1p36.33.
Variant type: single nucleotide variant.
Coding change: c.2536+3G>T on transcript NM_198576.4 (MANE Select); 3 bases into the intron after coding-DNA position 2536, G replaced by T.
Molecular consequence: intron variant.
Genome position (GRCh38, 1-based): chr1:1,045,526, G>T. VCF-style: chr1-1045526-G-T. GRCh37 (hg19) VCF-style: chr1-980906-G-T.
Other names: c.2536+3G>T (NM_001305275.2); c.2221+3G>T (NM_001364727.2).
Identifiers: ClinVar variation 1918169 (VCV001918169.5), dbSNP rs747771295, ClinGen allele CA508662.